The following is an entry in ClinVar:

NM_177438.3(DICER1):c.1146A>T (p.Glu382Asp)

Gene: DICER1 (dicer 1, ribonuclease III; minus strand). Cytogenetic location: 14q32.13.
Variant type: single nucleotide variant.
Coding change: c.1146A>T on transcript NM_177438.3 (MANE Select); coding-DNA position 1146, A replaced by T.
Protein change: p.Glu382Asp; replaces glutamic acid 382 with aspartic acid.
Molecular consequence: missense variant. On other transcripts: 5 prime UTR variant (1), non-coding transcript variant (6).
Genome position (GRCh38, 1-based): chr14:95,124,426, T>A on the plus strand (A>T on the coding strand, the complement: DICER1 is on the minus strand). VCF-style: chr14-95124426-T-A. GRCh37 (hg19) VCF-style: chr14-95590763-T-A.
Other names: c.1146A>T, p.Glu382Asp (NM_001395680.1, NM_001395682.1, NM_001395683.1 and 14 more transcripts); c.741A>T, p.Glu247Asp (NM_001395690.1, NM_001395696.1, NM_001395698.1 and 3 more transcripts); c.579A>T, p.Glu193Asp (NM_001395691.1); c.-423A>T (NM_001395697.1); c.864A>T, p.Glu288Asp (NM_001395686.1); short protein forms E382D, E193D, E247D, E288D.
Identifiers: ClinVar variation 4240529 (VCV004240529.1).

ClinVar aggregate classification (germline): Uncertain significance (1 of 4 stars; one submission).

Conditions:
Hereditary cancer-predisposing syndrome. Also called: Hereditary Cancer Syndrome; Hereditary neoplastic syndrome; Neoplastic Syndromes, Hereditary; Tumor predisposition. Identifiers: Orphanet 140162, MedGen C0027672, MeSH D009386, MONDO:0015356.

Submission:

Ambry Genetics
Classification: Uncertain significance for Hereditary cancer-predisposing syndrome. Last evaluated: 2025-08-25. Review status: criteria provided, single submitter. Criteria: Ambry Variant Classification Scheme 2023. Collection method: clinical testing. Allele origin: germline.
Comment: The p.E382D variant (also known as c.1146A>T), located in coding exon 7 of the DICER1 gene, results from an A to T substitution at nucleotide position 1146. The glutamic acid at codon 382 is replaced by aspartic acid, an amino acid with highly similar properties. This amino acid position is conserved. In addition, this alteration is predicted to be tolerated by in silico analysis. Based on the available evidence, the clinical significance of this variant remains unclear.